The following is an entry in ClinVar:

NM_004113.6(FGF12):c.14-47484C>A

Gene: FGF12 (fibroblast growth factor 12; minus strand). Cytogenetic location: 3q28.
Variant type: single nucleotide variant.
Coding change: c.14-47484C>A on transcript NM_004113.6 (MANE Select); 47484 bases into the intron before coding-DNA position 14, C replaced by A.
Molecular consequence: intron variant.
Genome position (GRCh38, 1-based): chr3:192,408,022, G>T on the plus strand (C>A on the coding strand, the complement: FGF12 is on the minus strand). VCF-style: chr3-192408022-G-T. GRCh37 (hg19) VCF-style: chr3-192125811-G-T.
Other names: c.-59-47484C>A (NM_001377293.1); c.14-72558C>A (NM_001377292.1); c.-60+1490C>A (NM_001377294.1); c.199+3C>A (NM_021032.5).
Identifiers: ClinVar variation 3709710 (VCV003709710.2).
Genomic context (GRCh38, chr3:192,408,022, plus strand): 5'-GCTTTGAGGAGGGAGAAAGAGGGCGTCCCCTCTGGGGAGCCCACTCTCCGGGCTTCTACT[G>T]ACCTGGTCTCCGCCTCACCGGCCTCTTGCGGCCGCTGCAGAAGCGCACTTTGCTGAACAC-3'

ClinVar aggregate classification (germline): Uncertain significance (1 of 4 stars; one submission).

gnomAD v4.1: 7 of 1,608,078 alleles (0.00044%); highest among the groups gnomAD compares: Non-Finnish European, 0.00051%; no homozygotes.

Submission:

Labcorp Genetics (formerly Invitae), Labcorp
Classification: Uncertain significance. Last evaluated: 2024-10-21. Review status: criteria provided, single submitter. Criteria: Invitae Variant Classification Sherloc (09022015). Collection method: clinical testing. Allele origin: germline.
Comment: This sequence change falls in intron 1 of the FGF12 gene. It does not directly change the encoded amino acid sequence of the FGF12 protein. It affects a nucleotide within the consensus splice site. The frequency data for this variant in the population databases is considered unreliable, as metrics indicate poor data quality at this position in the gnomAD database. This variant has not been reported in the literature in individuals affected with FGF12-related conditions. Variants that disrupt the consensus splice site are a relatively common cause of aberrant splicing (PMID: 17576681, 9536098). Algorithms developed to predict the effect of sequence changes on RNA splicing suggest that this variant is not likely to affect RNA splicing. In summary, the available evidence is currently insufficient to determine the role of this variant in disease. Therefore, it has been classified as a Variant of Uncertain Significance.

Literature cited by the submitters: PubMed 17576681; PubMed 9536098.